The following is an entry in ClinVar:

ClinVar aggregate classification (germline): Uncertain significance (1 of 4 stars; one submission).

Allele frequency attached by ClinVar (database versions not stated): gnomAD exomes below 0.00001.
gnomAD v4.1: 3 of 1,614,006 alleles (0.00019%); highest among the groups gnomAD compares: Non-Finnish European, 0.00025%; no homozygotes.

Submission:

Labcorp Genetics (formerly Invitae), Labcorp
Classification: Uncertain significance. Last evaluated: 2022-11-04. Review status: criteria provided, single submitter. Criteria: Invitae Variant Classification Sherloc (09022015). Collection method: clinical testing. Allele origin: germline.
Comment: In summary, the available evidence is currently insufficient to determine the role of this variant in disease. Therefore, it has been classified as a Variant of Uncertain Significance. Advanced modeling of protein sequence and biophysical properties (such as structural, functional, and spatial information, amino acid conservation, physicochemical variation, residue mobility, and thermodynamic stability) performed at Invitae indicates that this missense variant is not expected to disrupt SLC44A4 protein function. This variant has not been reported in the literature in individuals affected with SLC44A4-related conditions. This variant is not present in population databases (gnomAD no frequency). This sequence change replaces glycine, which is neutral and non-polar, with alanine, which is neutral and non-polar, at codon 137 of the SLC44A4 protein (p.Gly137Ala).

NM_025257.3(SLC44A4):c.410G>C (p.Gly137Ala)

Gene: SLC44A4 (solute carrier family 44 member 4; minus strand). Cytogenetic location: 6p21.33.
Variant type: single nucleotide variant.
Coding change: c.410G>C on transcript NM_025257.3 (MANE Select); coding-DNA position 410, G replaced by C.
Protein change: p.Gly137Ala; replaces glycine 137 with alanine.
Molecular consequence: missense variant. On other transcripts: intron variant (1).
Genome position (GRCh38, 1-based): chr6:31,874,779, C>G on the plus strand (G>C on the coding strand, the complement: SLC44A4 is on the minus strand). VCF-style: chr6-31874779-C-G. GRCh37 (hg19) VCF-style: chr6-31842556-C-G.
Other names: c.182G>C, p.Gly61Ala (NM_001178045.2); c.410G>C, p.Gly137Ala (NM_032794.1); c.342+150G>C (NM_001178044.2); short protein forms G137A, G61A.
Identifiers: ClinVar variation 1996270 (VCV001996270.4), dbSNP rs955643133, ClinGen allele CA363379854.